The following is an entry in ClinVar:

ClinVar aggregate classification (germline): Uncertain significance (1 of 4 stars; one submission).

Conditions:
LAMA2-related muscular dystrophy (LAMA2-RD). Also called: Laminin alpha 2-related dystrophy. Identifiers: MedGen C5679788, MONDO:0100228.

Allele frequency attached by ClinVar (database versions not stated): gnomAD exomes below 0.00001.
gnomAD v4.1: 4 of 1,612,222 alleles (0.00025%); highest among the groups gnomAD compares: Non-Finnish European, 0.00025%; no homozygotes.

Submission:

Labcorp Genetics (formerly Invitae), Labcorp
Classification: Uncertain significance for LAMA2-related muscular dystrophy. Last evaluated: 2022-04-25. Review status: criteria provided, single submitter. Criteria: Invitae Variant Classification Sherloc (09022015). Collection method: clinical testing. Allele origin: germline.
Comment: This sequence change replaces isoleucine, which is neutral and non-polar, with threonine, which is neutral and polar, at codon 2341 of the LAMA2 protein (p.Ile2341Thr). This variant is present in population databases (no rsID available, gnomAD 0.0009%). This variant has not been reported in the literature in individuals affected with LAMA2-related conditions. ClinVar contains an entry for this variant (Variation ID: 1057586). Advanced modeling of protein sequence and biophysical properties (such as structural, functional, and spatial information, amino acid conservation, physicochemical variation, residue mobility, and thermodynamic stability) performed at Invitae indicates that this missense variant is not expected to disrupt LAMA2 protein function. In summary, the available evidence is currently insufficient to determine the role of this variant in disease. Therefore, it has been classified as a Variant of Uncertain Significance.

NM_000426.4(LAMA2):c.7022T>C (p.Ile2341Thr)

Gene: LAMA2 (laminin subunit alpha 2; plus strand). Cytogenetic location: 6q22.33.
Variant type: single nucleotide variant.
Coding change: c.7022T>C on transcript NM_000426.4 (MANE Select); coding-DNA position 7022, T replaced by C.
Protein change: p.Ile2341Thr; replaces isoleucine 2341 with threonine.
Molecular consequence: missense variant.
Genome position (GRCh38, 1-based): chr6:129,464,319, T>C. VCF-style: chr6-129464319-T-C. GRCh37 (hg19) VCF-style: chr6-129785464-T-C.
Other names: c.7022T>C, p.Ile2341Thr (NM_001079823.2); short protein forms I2341T.
Identifiers: ClinVar variation 1057586 (VCV001057586.2), dbSNP rs1241629987, ClinGen allele CA365620021.